The following is an entry in ClinVar:

ClinVar aggregate classification (germline): Uncertain significance (1 of 4 stars; one submission).

Conditions:
Cardiovascular phenotype. Identifiers: MedGen CN230736.

Submission:

Ambry Genetics
Classification: Uncertain significance for Cardiovascular phenotype. Last evaluated: 2026-07-28. Review status: criteria provided, single submitter. Criteria: Ambry Variant Classification Scheme 2023. Collection method: clinical testing. Allele origin: germline.
Comment: The c.2282dupG variant, located in coding exon 17 of the TRPM4 gene, results from a duplication of G at nucleotide position 2282, causing a translational frameshift with a predicted alternate stop codon (p.R762Pfs*197). This variant is expected to result in protein truncation or nonsense-mediated mRNA decay. However, loss of function has not been established as a mechanism of disease. Based on the available evidence, the clinical significance of this variant remains unclear.

NM_017636.4(TRPM4):c.2282dup (p.Arg762fs)

Gene: TRPM4 (transient receptor potential cation channel subfamily M member 4; plus strand). Cytogenetic location: 19q13.33.
Variant type: Duplication.
Coding change: c.2282dup on transcript NM_017636.4 (MANE Select); coding-DNA position 2282, one base duplicated (G; older notation c.2282dupG).
Protein change: p.Arg762fs; shifts the reading frame from arginine 762.
Molecular consequence: frameshift variant. On other transcripts: intron variant (1).
Genome position (GRCh38, 1-based): chr19:49,196,511, G duplicated; the last of 5 consecutive G bases (chr19:49,196,507-49,196,511); duplicating any one gives the same sequence. VCF-style (leftmost placement, unchanged base first): chr19-49196506-C-CG. GRCh37 (hg19) VCF-style: chr19-49699763-C-CG.
Other names: c.1937dup, p.Arg647fs (NM_001321281.2); c.674dup, p.Arg226fs (NM_001321282.2); c.1760dup, p.Arg588fs (NM_001321283.2); c.1220dup, p.Arg408fs (NM_001321285.2); c.2211-3789dup (NM_001195227.2); short protein forms R226fs, R647fs, R408fs, R588fs, R762fs.
Identifiers: ClinVar variation 5031154 (VCV005031154.1).